The following is an entry in ClinVar:

NM_007294.4(BRCA1):c.1870G>A (p.Glu624Lys)

Gene: BRCA1 (BRCA1 DNA repair associated; minus strand). Cytogenetic location: 17q21.31.
Variant type: single nucleotide variant.
Coding change: c.1870G>A on transcript NM_007294.4 (MANE Select); coding-DNA position 1870, G replaced by A.
Protein change: p.Glu624Lys; replaces glutamic acid 624 with lysine.
Molecular consequence: missense variant. On other transcripts: intron variant (137).
Genome position (GRCh38, 1-based): chr17:43,093,661, C>T on the plus strand (G>A on the coding strand, the complement: BRCA1 is on the minus strand). VCF-style: chr17-43093661-C-T. GRCh37 (hg19) VCF-style: chr17-41245678-C-T.
Other names: c.1870G>A, p.Glu624Lys (NM_007300.4, NM_001407581.1, NM_001407582.1 and 30 more transcripts); c.646+1083G>A (NM_001408458.1, NM_001408469.1, NM_001408453.1 and 11 more transcripts); c.283+1083G>A (NM_001408512.1); c.406+1083G>A (NM_001408510.1); c.643+1083G>A (NM_001408470.1, NM_001408464.1, NM_001408468.1 and 3 more transcripts); c.784+1083G>A (NM_001408397.1, NM_001408401.1, NM_001408396.1 and 13 more transcripts); c.664+1083G>A (NM_001408436.1, NM_001408444.1, NM_001408438.1 and 12 more transcripts); c.787+1083G>A (NM_001407980.1, NM_001407993.1, NM_001407976.1 and 19 more transcripts); and 40 more; short protein forms E624K, E577K, E456K, E583K, E623K, E328K, E512K, E556K.
Identifiers: ClinVar variation 54374 (VCV000054374.14), dbSNP rs80356950, ClinGen allele CA001215.

ClinVar aggregate classification (germline): Conflicting classifications of pathogenicity. Review status: criteria provided, conflicting classifications (1 of 4 stars). 3 submissions from 3 submitters: Uncertain significance (1); Likely benign (1). 1 of the submissions does not count toward it. Last evaluated 2023-03-23.

Conditions:
Hereditary cancer-predisposing syndrome. Also called: Tumor predisposition; Neoplastic Syndromes, Hereditary; Hereditary Cancer Syndrome; Hereditary neoplastic syndrome. Identifiers: Orphanet 140162, MedGen C0027672, MeSH D009386, MONDO:0015356.
Hereditary breast ovarian cancer syndrome. Also called: Hereditary breast and ovarian cancer syndrome (HBOC); Hereditary breast and ovarian cancer syndrome; Hereditary breast and ovarian cancer; Hereditary breast and/or ovarian cancer syndrome; Breast and ovarian cancer; BRCA1- and BRCA2-Associated Hereditary Breast and Ovarian Cancer. Identifiers: Orphanet 145, MedGen C0677776, MeSH D061325, MONDO:0003582. Disease mechanism: loss of function.
Breast-ovarian cancer, familial, susceptibility to, 1 (BROVCA1). Also called: OVARIAN CANCER, SUSCEPTIBILITY TO; BRCA1 Hereditary Breast and Ovarian Cancer. Identifiers: Orphanet 145, MedGen C2676676, MONDO:0011450, OMIM 604370. Disease mechanism: loss of function.

Submissions (3):

University of Washington Department of Laboratory Medicine, University of Washington
Classification: Likely benign for Hereditary cancer-predisposing syndrome. Last evaluated: 2023-03-23. Review status: criteria provided, single submitter. Criteria: Dines et al. (Genet Med. 2020). Collection method: curation. Allele origin: germline.
Comment: Missense variant in a coldspot region where missense variants are very unlikely to be pathogenic (PMID:31911673).

BRCA1 coldspot (exon 11 using historical exon numbering). Reclassification based on statistical prior probability

Labcorp Genetics (formerly Invitae), Labcorp
Classification: Uncertain significance for Hereditary breast ovarian cancer syndrome. Last evaluated: 2018-09-14. Review status: criteria provided, single submitter. Criteria: Invitae Variant Classification Sherloc (09022015). Collection method: clinical testing. Allele origin: germline.
Comment: Algorithms developed to predict the effect of missense changes on protein structure and function do not agree on the potential impact of this missense change (SIFT: "Tolerated"; PolyPhen-2: "Possibly Damaging"; Align-GVGD: "Class C0"). This variant has been reported in individuals in the Leiden Open-source Variation Database (PMID: 21520333) and the Breast Cancer Information Core database (PMID: 10923033). ClinVar contains an entry for this variant (Variation ID: 54374). This variant is not present in population databases (ExAC no frequency). This sequence change replaces glutamic acid with lysine at codon 624 of the BRCA1 protein (p.Glu624Lys). The glutamic acid residue is moderately conserved and there is a small physicochemical difference between glutamic acid and lysine. In summary, the available evidence is currently insufficient to determine the role of this variant in disease. Therefore, it has been classified as a Variant of Uncertain Significance.

Breast Cancer Information Core (BIC) (BRCA1)
Classification: Uncertain significance for Breast-ovarian cancer, familial 1. Last evaluated: 2002-05-29. Review status: no assertion criteria provided. Collection method: clinical testing. Allele origin: germline. Affected: yes. Observed: 1 variant allele. Not counted in ClinVar's aggregate classification.

Literature cited by the submitters: PubMed 21520333 (cited by Labcorp Genetics (formerly Invitae), Labcorp); PubMed 10923033 (cited by Labcorp Genetics (formerly Invitae), Labcorp).